The following is an entry in ClinVar:

ClinVar aggregate classification (germline): Uncertain significance (1 of 4 stars; one submission).

Allele frequency attached by ClinVar (database versions not stated): gnomAD exomes below 0.00001.
gnomAD v4.1: 2 of 1,613,158 alleles (0.00012%); highest among the groups gnomAD compares: East Asian, 0.0022%; no homozygotes.

Submission:

Labcorp Genetics (formerly Invitae), Labcorp
Classification: Uncertain significance. Last evaluated: 2021-12-27. Review status: criteria provided, single submitter. Criteria: Invitae Variant Classification Sherloc (09022015). Collection method: clinical testing. Allele origin: germline.
Comment: This sequence change replaces phenylalanine, which is neutral and non-polar, with leucine, which is neutral and non-polar, at codon 1523 of the TUBGCP6 protein (p.Phe1523Leu). This variant is present in population databases (no rsID available, gnomAD 0.006%). This variant has not been reported in the literature in individuals affected with TUBGCP6-related conditions. Algorithms developed to predict the effect of missense changes on protein structure and function are either unavailable or do not agree on the potential impact of this missense change (SIFT: "Tolerated"; PolyPhen-2: "Probably Damaging"; Align-GVGD: "Class C0"). In summary, the available evidence is currently insufficient to determine the role of this variant in disease. Therefore, it has been classified as a Variant of Uncertain Significance.

NM_020461.4(TUBGCP6):c.4567T>C (p.Phe1523Leu)

Gene: TUBGCP6 (tubulin gamma complex component 6; minus strand). Cytogenetic location: 22q13.33.
Variant type: single nucleotide variant.
Coding change: c.4567T>C on transcript NM_020461.4 (MANE Select); coding-DNA position 4567, T replaced by C.
Protein change: p.Phe1523Leu; replaces phenylalanine 1523 with leucine.
Molecular consequence: missense variant.
Genome position (GRCh38, 1-based): chr22:50,219,127, A>G on the plus strand (T>C on the coding strand, the complement: TUBGCP6 is on the minus strand). VCF-style: chr22-50219127-A-G. GRCh37 (hg19) VCF-style: chr22-50657556-A-G.
Other names: short protein forms F1523L.
Identifiers: ClinVar variation 1974491 (VCV001974491.5), dbSNP rs1223878274, ClinGen allele CA412169972.
Genomic context (GRCh38, chr22:50,219,127, plus strand): 5'-CCTTCTCAAAGAGCAGGTCGCTGAGGGACTGGGCGAACTCGCCGTCCTCCATCAGCAGGA[A>G]GTGCCGCAGTGCCTCATAGTGCGCCTCCAGGTGCAGCTCCACGAAGAAGTAGTCGACAGC-3'
Protein context (NP_065194.3, residues 1513-1533): LEAHYEALRH[Phe1523Leu]LLMEDGEFAQ